The following is an entry in ClinVar:

NM_024422.6(DSC2):c.1788G>A (p.Ala596=)

Gene: DSC2 (desmocollin 2; minus strand). Cytogenetic location: 18q12.1.
Variant type: single nucleotide variant.
Coding change: c.1788G>A on transcript NM_024422.6 (MANE Select); coding-DNA position 1788, G replaced by A.
Protein change: p.Ala596=; no amino-acid change (alanine 596 retained).
Molecular consequence: synonymous variant.
Genome position (GRCh38, 1-based): chr18:31,074,783, C>T on the plus strand (G>A on the coding strand, the complement: DSC2 is on the minus strand). VCF-style: chr18-31074783-C-T. GRCh37 (hg19) VCF-style: chr18-28654749-C-T.
Other names: c.1788G>A, p.Ala596= (NM_004949.5).
Identifiers: ClinVar variation 326397 (VCV000326397.27), dbSNP rs146161960, ClinGen allele CA033258.
Genomic context (GRCh38, chr18:31,074,783, plus strand): 5'-AGTAGAACTCTCCAGACTAAAGTCAAAGGGTGGGCCATGGATAGGCTCATCAGGATCAAC[C>T]GCAACAATCTCCGCAGATGACATGGTGGGTTTGCAGATGATCACTGTCTTTTTAGGTATG-3'
Protein context (NP_077740.1, residues 586-606): KPTMSSAEIV[Ala596=]VDPDEPIHGP

ClinVar aggregate classification (germline): Conflicting classifications of pathogenicity. Review status: criteria provided, conflicting classifications (1 of 4 stars). 10 submissions from 10 submitters: Uncertain significance (1); Benign (2); Likely benign (7). Last evaluated 2026-01-28.

Conditions:
Cardiomyopathy (CMYO). Also called: Cardiomyopathies. Identifiers: Orphanet 167848, MedGen C0878544, MONDO:0004994, HP:0001638. Inheritance: Various modes of inheritance.
Cardiovascular phenotype. Identifiers: MedGen CN230736.
Arrhythmogenic right ventricular dysplasia 11. Also called: Arrhythmogenic Right Ventricular Dysplasia/Cardiomyopathy11; ARRHYTHMOGENIC RIGHT VENTRICULAR DYSPLASIA, FAMILIAL, 11; Arrhythmogenic right ventricular dysplasia 11 with mild palmoplantar keratoderma and woolly hair. Identifiers: MedGen C1864850, MONDO:0012506, OMIM 610476.
Familial isolated arrhythmogenic right ventricular dysplasia. Identifiers: Orphanet 217656, MedGen C4274968, MONDO:0016342.

Allele frequency attached by ClinVar (database versions not stated): TOPMed 0.00010; gnomAD exomes 0.00011 and 0.00014; gnomAD 0.00013; ExAC 0.00015; 1000 Genomes Project 30x 0.00016; 1000 Genomes Project 0.00020; ESP Exome Variant Server 0.00023.
gnomAD v4.1: 225 of 1,613,970 alleles (0.014%); highest among the groups gnomAD compares: Non-Finnish European, 0.016%; no homozygotes.

Submissions (10):

Labcorp Genetics (formerly Invitae), Labcorp
Classification: Likely benign for Arrhythmogenic right ventricular dysplasia 11. Last evaluated: 2026-01-28. Review status: criteria provided, single submitter. Criteria: Invitae Variant Classification Sherloc (09022015). Collection method: clinical testing. Allele origin: germline.

Blueprint Genetics
Classification: Likely benign. Last evaluated: 2024-02-07. Review status: criteria provided, single submitter. Criteria: ACMG Guidelines, 2015. Collection method: clinical testing. Allele origin: germline.

All of Us Research Program, National Institutes of Health
Classification: Likely benign for Familial isolated arrhythmogenic right ventricular dysplasia. Last evaluated: 2023-12-13. Review status: criteria provided, single submitter. Criteria: ACMG Guidelines, 2015. Collection method: clinical testing. Allele origin: germline. Inheritance: Autosomal dominant inheritance. Observed: 21 variant alleles, 21 heterozygotes.
Comment: This study involves interpretation of variants in research participants for the purpose of population health screening. Participant phenotype was not available at the time of variant classification. Additional details can be found in publication PMID: 35346344, PMCID: PMC8962531

GeneDx
Classification: Likely benign. Last evaluated: 2020-12-06. Review status: criteria provided, single submitter. Criteria: GeneDx Variant Classification Process June 2021. Collection method: clinical testing. Allele origin: germline. Affected: yes.

Ambry Genetics
Classification: Likely benign for Cardiovascular phenotype. Last evaluated: 2020-06-21. Review status: criteria provided, single submitter. Criteria: Ambry Variant Classification Scheme 2023. Collection method: clinical testing. Allele origin: germline.

Women's Health and Genetics/Laboratory Corporation of America, LabCorp
Classification: Benign. Last evaluated: 2019-01-28. Review status: criteria provided, single submitter. Criteria: LabCorp Variant Classification Summary - May 2015. Collection method: clinical testing. Allele origin: germline.
Comment: Variant summary: DSC2 c.1788G>A alters a non-conserved nucleotide resulting in a synonymous change. 4/5 computational tools predict no significant impact on normal splicing. However, these predictions have yet to be confirmed by functional studies. The variant allele was found at a frequency of 0.00012 in 276856 control chromosomes (gnomAD). The observed variant frequency is approximately 5 fold of the estimated maximal expected allele frequency for a pathogenic variant in DSC2 causing Cardiomyopathy phenotype (2.5e-05), strongly suggesting that the variant is benign. To our knowledge, no occurrence of c.1788G>A in individuals affected with Cardiomyopathy and no experimental evidence demonstrating its impact on protein function have been reported. Three ClinVar submissions from clinical diagnostic laboratories and reputable databases (evaluation after 2014) cite the variant as likely benign (2x) and once as uncertain significance. Based on the evidence outlined above, the variant was classified as benign.

Color Diagnostics, LLC DBA Color Health
Classification: Likely benign for Cardiomyopathy. Last evaluated: 2018-12-13. Review status: criteria provided, single submitter. Criteria: ACMG Guidelines, 2015. Collection method: clinical testing. Allele origin: germline.

Illumina Laboratory Services, Illumina
Classification: Uncertain significance for Arrhythmogenic right ventricular dysplasia 11. Last evaluated: 2018-01-13. Review status: criteria provided, single submitter. Criteria: ICSL Variant Classification Criteria 13 December 2019. Collection method: clinical testing. Allele origin: germline.

CHEO Genetics Diagnostic Laboratory, Children's Hospital of Eastern Ontario
Classification: Benign for Cardiomyopathy. Last evaluated: 2017-12-01. Review status: criteria provided, single submitter. Criteria: ACMG Guidelines, 2015. Collection method: clinical testing. Allele origin: germline.

Laboratory for Molecular Medicine, Mass General Brigham Personalized Medicine
Classification: Likely benign. Last evaluated: 2012-03-19. Review status: criteria provided, single submitter. Criteria: LMM Criteria. Collection method: clinical testing. Allele origin: germline. Observed: 1 variant allele.
Comment: p.Ala596Ala in Exon 12 of DSC2: This variant is not expected to have clinical significance because it does not alter an amino acid residue, is not located within the splice consensus sequence. It has been identified in 1/7020 European American chromosomes from a broad population by the NHLBI Exome Sequencing Project (dbSNP rs146161960).